The following is an entry in ClinVar:

NM_000747.3(CHRNB1):c.*433A>G

Gene: CHRNB1 (cholinergic receptor nicotinic beta 1 subunit; plus strand). Cytogenetic location: 17p13.1.
Variant type: single nucleotide variant.
Coding change: c.*433A>G on transcript NM_000747.3 (MANE Select); 433 bases downstream of the stop codon, A replaced by G.
Molecular consequence: 3 prime UTR variant.
Genome position (GRCh38, 1-based): chr17:7,457,156, A>G. VCF-style: chr17-7457156-A-G. GRCh37 (hg19) VCF-style: chr17-7360475-A-G.
Identifiers: ClinVar variation 325113 (VCV000325113.5), dbSNP rs150545965, ClinGen allele CA10650924.

ClinVar aggregate classification (germline): Benign (1 of 4 stars; one submission).

Conditions:
Congenital myasthenic syndrome 4C (CMS4C). Also called: Myasthenic syndrome, congenital, associated with acetylcholine receptor deficiency. Identifiers: Orphanet 590, MedGen C1837091, MONDO:0012157, OMIM 608931.

Allele frequency attached by ClinVar (database versions not stated): gnomAD 0.00093 and 0.00129; TOPMed 0.00124; gnomAD exomes 0.00160; 1000 Genomes Project 30x 0.00718; 1000 Genomes Project 0.00799.

Submission:

Illumina Laboratory Services, Illumina
Classification: Benign for Congenital myasthenic syndrome 4C. Last evaluated: 2018-01-13. Review status: criteria provided, single submitter. Criteria: ICSL Variant Classification Criteria 13 December 2019. Collection method: clinical testing. Allele origin: germline.
Comment: This variant was observed in the ICSL laboratory as part of a predisposition screen in an ostensibly healthy population. It had not been previously curated by ICSL or reported in the Human Gene Mutation Database (HGMD: prior to June 1st, 2018), and was therefore a candidate for classification through an automated scoring system. Utilizing variant allele frequency, disease prevalence and penetrance estimates, and inheritance mode, an automated score was calculated to assess if this variant is too frequent to cause the disease. Based on the score and internal cut-off values, a variant classified as benign is not then subjected to further curation. The score for this variant resulted in a classification of benign for this disease.